The following is an entry in ClinVar:

ClinVar aggregate classification (germline): Uncertain significance (1 of 4 stars; one submission).

Conditions:
Long QT syndrome (LQTS). Identifiers: MedGen C0023976, MeSH D008133, MONDO:0002442. Disease mechanism: loss of function. Inheritance: Various modes of inheritance.

Allele frequency attached by ClinVar (database versions not stated): gnomAD exomes below 0.00001; gnomAD 0.00001.
gnomAD v4.1: 5 of 1,605,130 alleles (0.00031%); highest among the groups gnomAD compares: East Asian, 0.0067%; no homozygotes.

Submission:

Labcorp Genetics (formerly Invitae), Labcorp
Classification: Uncertain significance for Long QT syndrome. Last evaluated: 2025-11-10. Review status: criteria provided, single submitter. Criteria: Invitae Variant Classification Sherloc (09022015). Collection method: clinical testing. Allele origin: germline.
Comment: This sequence change replaces glycine, which is neutral and non-polar, with valine, which is neutral and non-polar, at codon 2883 of the AKAP9 protein (p.Gly2883Val). The frequency data for this variant in the population databases is considered unreliable, as metrics indicate poor data quality at this position in the gnomAD database. This variant has not been reported in the literature in individuals affected with AKAP9-related conditions. ClinVar contains an entry for this variant (Variation ID: 952978). An algorithm developed to predict the effect of missense changes on protein structure and function (PolyPhen-2) suggests that this variant is likely to be tolerated. In summary, the available evidence is currently insufficient to determine the role of this variant in disease. Therefore, it has been classified as a Variant of Uncertain Significance.

NM_005751.5(AKAP9):c.8648G>T (p.Gly2883Val)

Gene: AKAP9 (A-kinase anchoring protein 9; plus strand). Cytogenetic location: 7q21.2.
Variant type: single nucleotide variant.
Coding change: c.8648G>T on transcript NM_005751.5 (MANE Select); coding-DNA position 8648, G replaced by T.
Protein change: p.Gly2883Val; replaces glycine 2883 with valine.
Molecular consequence: missense variant.
Genome position (GRCh38, 1-based): chr7:92,084,641, G>T. VCF-style: chr7-92084641-G-T. GRCh37 (hg19) VCF-style: chr7-91713955-G-T.
Other names: c.3293G>T, p.Gly1098Val (NM_001379277.1); c.8624G>T, p.Gly2875Val (NM_147185.3); short protein forms G1098V, G2875V, G2883V.
Identifiers: ClinVar variation 952978 (VCV000952978.9), dbSNP rs1339555983, ClinGen allele CA368140666.